The following is an entry in ClinVar:

ClinVar aggregate classification (germline): Uncertain significance. Review status: criteria provided, single submitter (1 of 4 stars). 2 submissions from 2 submitters: Uncertain significance (1). 1 of the submissions does not count toward it. Last evaluated 2022-01-15.

Conditions:
Retinitis pigmentosa 25 (RP25). Identifiers: Orphanet 791, MedGen C1864446, MONDO:0011272, OMIM 602772.

Submissions (2):

Labcorp Genetics (formerly Invitae), Labcorp
Classification: Uncertain significance. Last evaluated: 2022-01-15. Review status: criteria provided, single submitter. Criteria: Invitae Variant Classification Sherloc (09022015). Collection method: clinical testing. Allele origin: germline.
Comment: Algorithms developed to predict the effect of sequence changes on RNA splicing suggest that this variant may create or strengthen a splice site. In summary, the available evidence is currently insufficient to determine the role of this variant in disease. Therefore, it has been classified as a Variant of Uncertain Significance. This sequence change replaces methionine, which is neutral and non-polar, with valine, which is neutral and non-polar, at codon 2258 of the EYS protein (p.Met2258Val). This variant is not present in population databases (gnomAD no frequency). This variant has not been reported in the literature in individuals affected with EYS-related conditions. ClinVar contains an entry for this variant (Variation ID: 1040308). Algorithms developed to predict the effect of missense changes on protein structure and function (SIFT, PolyPhen-2, Align-GVGD) all suggest that this variant is likely to be tolerated.

Natera, Inc.
Classification: Uncertain significance for Retinitis pigmentosa type 25. Last evaluated: 2021-04-20. Review status: no assertion criteria provided. Collection method: clinical testing. Allele origin: germline. Not counted in ClinVar's aggregate classification.

NM_001142800.2(EYS):c.6772A>G (p.Met2258Val)

Gene: EYS (EGF-like photoreceptor maintenance factor; minus strand). Cytogenetic location: 6q12.
Variant type: single nucleotide variant.
Coding change: c.6772A>G on transcript NM_001142800.2 (MANE Select); coding-DNA position 6772, A replaced by G.
Protein change: p.Met2258Val; replaces methionine 2258 with valine.
Molecular consequence: missense variant.
Genome position (GRCh38, 1-based): chr6:63,999,137, T>C on the plus strand (A>G on the coding strand, the complement: EYS is on the minus strand). VCF-style: chr6-63999137-T-C. GRCh37 (hg19) VCF-style: chr6-64709030-T-C.
Other names: c.6772A>G, p.Met2258Val (NM_001292009.2); short protein forms M2258V.
Identifiers: ClinVar variation 1040308 (VCV001040308.9), dbSNP rs1767966521, ClinGen allele CA364389709.